The following is an entry in ClinVar:

ClinVar aggregate classification (germline): Uncertain significance (1 of 4 stars; one submission).

Conditions:
Developmental and epileptic encephalopathy, 21 (DEE21). Also called: Early infantile epileptic encephalopathy 21. Identifiers: Orphanet 442835, MedGen C4014430, MONDO:0014360, OMIM 615833.

Allele frequency attached by ClinVar (database versions not stated): gnomAD exomes below 0.00001.
gnomAD v4.1: 2 of 1,613,930 alleles (0.00012%); highest among the groups gnomAD compares: South Asian, 0.0022%; no homozygotes.

Submission:

Labcorp Genetics (formerly Invitae), Labcorp
Classification: Uncertain significance for Developmental and epileptic encephalopathy, 21. Last evaluated: 2021-06-08. Review status: criteria provided, single submitter. Criteria: Invitae Variant Classification Sherloc (09022015). Collection method: clinical testing. Allele origin: germline.
Comment: This sequence change replaces serine with threonine at codon 34 of the NECAP1 protein (p.Ser34Thr). The serine residue is moderately conserved and there is a small physicochemical difference between serine and threonine. This variant is not present in population databases (ExAC no frequency). This variant has not been reported in the literature in individuals with NECAP1-related conditions. Algorithms developed to predict the effect of missense changes on protein structure and function are either unavailable or do not agree on the potential impact of this missense change (SIFT: "Not Available"; PolyPhen-2: "Benign"; Align-GVGD: "Not Available"). In summary, the available evidence is currently insufficient to determine the role of this variant in disease. Therefore, it has been classified as a Variant of Uncertain Significance.

NM_015509.4(NECAP1):c.100T>A (p.Ser34Thr)

Gene: NECAP1 (NECAP endocytosis associated 1; plus strand). Cytogenetic location: 12p13.31.
Variant type: single nucleotide variant.
Coding change: c.100T>A on transcript NM_015509.4 (MANE Select); coding-DNA position 100, T replaced by A.
Protein change: p.Ser34Thr; replaces serine 34 with threonine.
Molecular consequence: missense variant. On other transcripts: non-coding transcript variant (1).
Genome position (GRCh38, 1-based): chr12:8,089,940, T>A. VCF-style: chr12-8089940-T-A. GRCh37 (hg19) VCF-style: chr12-8242536-T-A.
Other names: short protein forms S34T.
Identifiers: ClinVar variation 1497444 (VCV001497444.8), dbSNP rs2120475831, ClinGen allele CA383796622.
Genomic context (GRCh38, chr12:8,089,940, plus strand): 5'-GTGGGCGTTAGTAAATTAAGGACATGTGCCTGAGGCTTCCTCTTTTCCTGTCCTAGGGCC[T>A]CTGACTGGAAATTAGACCAGCCTGATTGGACTGGTCGCCTCCGAATCACTTCAAAAGGGA-3'
Protein context (NP_056324.2, residues 24-44): PRASNRGYRA[Ser34Thr]DWKLDQPDWT